The following is an entry in ClinVar:

NM_005267.5(GJA8):c.804C>T (p.Leu268=)

Gene: GJA8 (gap junction protein alpha 8; plus strand). Cytogenetic location: 1q21.2.
Variant type: single nucleotide variant.
Coding change: c.804C>T on transcript NM_005267.5 (MANE Select); coding-DNA position 804, C replaced by T.
Protein change: p.Leu268=; no amino-acid change (leucine 268 retained).
Molecular consequence: synonymous variant.
Genome position (GRCh38, 1-based): chr1:147,908,759, C>T. VCF-style: chr1-147908759-C-T. GRCh37 (hg19) VCF-style: chr1-147380886-C-T.
Identifiers: ClinVar variation 259707 (VCV000259707.18), dbSNP rs3766503, ClinGen allele CA1066010.

ClinVar aggregate classification (germline): Benign. Review status: criteria provided, multiple submitters, no conflicts (2 of 4 stars). 5 submissions from 5 submitters: Benign (5). Last evaluated 2026-01-27.

Conditions:
Cataract 1 multiple types. Also called: CATARACT 1, MULTIPLE TYPES, WITH OR WITHOUT MICROCORNEA; CATARACT 1, NUCLEAR PROGRESSIVE; CATARACT 1 WITH MICROCORNEA; CATARACT 1, POSTERIOR SUBCAPSULAR, WITH MICROCORNEA; CATARACT 1, STELLATE NUCLEAR, WITH MICROCORNEA; CATARACT, DUFFY-LINKED. Identifiers: Orphanet 1377, MedGen C1861828, MONDO:0007285, OMIM 116200.

Allele frequency attached by ClinVar (database versions not stated): gnomAD 0.04698 and 0.04758; TOPMed 0.04525; 1000 Genomes Project 0.04912; 1000 Genomes Project 30x 0.04856; ESP Exome Variant Server 0.05390.
gnomAD v4.1: 68,237 of 1,614,040 alleles (4.2%); highest among the groups gnomAD compares: African/African-American, 7.3%; 1,643 homozygotes.

Submissions (5):

Labcorp Genetics (formerly Invitae), Labcorp
Classification: Benign for Cataract 1 multiple types. Last evaluated: 2026-01-27. Review status: criteria provided, single submitter. Criteria: Invitae Variant Classification Sherloc (09022015). Collection method: clinical testing. Allele origin: germline.

GeneDx
Classification: Benign. Last evaluated: 2018-05-31. Review status: criteria provided, single submitter. Criteria: GeneDx Variant Classification (06012015). Collection method: clinical testing. Allele origin: germline. Affected: yes.
Comment: This variant is considered likely benign or benign based on one or more of the following criteria: it is a conservative change, it occurs at a poorly conserved position in the protein, it is predicted to be benign by multiple in silico algorithms, and/or has population frequency not consistent with disease.

Illumina Laboratory Services, Illumina
Classification: Benign for Cataract 1 multiple types. Last evaluated: 2018-01-13. Review status: criteria provided, single submitter. Criteria: ICSL Variant Classification Criteria 13 December 2019. Collection method: clinical testing. Allele origin: germline.
Comment: This variant was observed in the ICSL laboratory as part of a predisposition screen in an ostensibly healthy population. It had not been previously curated by ICSL or reported in the Human Gene Mutation Database (HGMD: prior to June 1st, 2018), and was therefore a candidate for classification through an automated scoring system. Utilizing variant allele frequency, disease prevalence and penetrance estimates, and inheritance mode, an automated score was calculated to assess if this variant is too frequent to cause the disease. Based on the score and internal cut-off values, a variant classified as benign is not then subjected to further curation. The score for this variant resulted in a classification of benign for this disease.

Breakthrough Genomics
Classification: Benign. Review status: criteria provided, single submitter. Criteria: ACMG Guidelines, 2015. Collection method: not provided. Allele origin: germline. Inheritance: Autosomal dominant inheritance. Affected: yes.

PreventionGenetics, part of Exact Sciences
Classification: Benign. Review status: criteria provided, single submitter. Criteria: ACMG Guidelines, 2015. Collection method: clinical testing. Allele origin: germline.